The following is an entry in ClinVar:

NM_002087.4(GRN):c.705C>A (p.Pro235=)

Genes: GRN (granulin precursor; plus strand), LOC125177489 (Sharpr-MPRA regulatory region 15390; plus strand). Cytogenetic location: 17q21.31.
Variant type: single nucleotide variant.
Coding change: c.705C>A on transcript NM_002087.4 (MANE Select); coding-DNA position 705, C replaced by A.
Protein change: p.Pro235=; no amino-acid change (proline 235 retained).
Molecular consequence: synonymous variant.
Genome position (GRCh38, 1-based): chr17:44,350,797, C>A. VCF-style: chr17-44350797-C-A. GRCh37 (hg19) VCF-style: chr17-42428165-C-A.
Identifiers: ClinVar variation 447478 (VCV000447478.14), dbSNP rs148507354, ClinGen allele CA8601975.

ClinVar aggregate classification (germline): Benign/Likely benign. Review status: criteria provided, multiple submitters, no conflicts (2 of 4 stars). 5 submissions from 5 submitters: Benign (1); Likely benign (3). 1 of the submissions does not count toward it. Last evaluated 2025-07-14.

Conditions:
GRN-related disorder. Also called: GRN-related condition; GRN-related disorders.
Inborn genetic diseases. Identifiers: MedGen C0950123, MeSH D030342.
Neuronal ceroid lipofuscinosis 11. Also called: GRN-Related Neuronal Ceroid-Lipofuscinosis. Identifiers: Orphanet 314629, Orphanet 79262, MedGen C3539123, MONDO:0013866, OMIM 614706.
GRN-related frontotemporal lobar degeneration with Tdp43 inclusions (FTD2). Also called: GRN Frontotemporal Dementia; FRONTOTEMPORAL DEMENTIA WITH TDP43 INCLUSIONS, GRN-RELATED; FRONTOTEMPORAL LOBAR DEGENERATION WITH UBIQUITIN-POSITIVE INCLUSIONS; FTLD-TDP, GRN-RELATED; DEMENTIA, HEREDITARY DYSPHASIC DISINHIBITION. Identifiers: Orphanet 100070, Orphanet 282, MedGen C1843792, MONDO:0011842, OMIM 607485. Disease mechanism: loss of function.

Allele frequency attached by ClinVar (database versions not stated): ExAC 0.00014; gnomAD exomes 0.00014 and 0.00023; ESP Exome Variant Server 0.00015; gnomAD 0.00015 and 0.00019; TOPMed 0.00016.

Submissions (5):

Labcorp Genetics (formerly Invitae), Labcorp
Classification: Likely benign for Neuronal ceroid lipofuscinosis 11; GRN-related frontotemporal lobar degeneration with Tdp43 inclusions. Last evaluated: 2025-07-14. Review status: criteria provided, single submitter. Criteria: Invitae Variant Classification Sherloc (09022015). Collection method: clinical testing. Allele origin: germline.

Blueprint Genetics
Classification: Likely benign. Last evaluated: 2024-10-18. Review status: criteria provided, single submitter. Criteria: ACMG Guidelines, 2015. Collection method: clinical testing. Allele origin: germline.

Ambry Genetics
Classification: Likely benign for Inborn genetic diseases. Last evaluated: 2019-01-14. Review status: criteria provided, single submitter. Criteria: Ambry Variant Classification Scheme 2023. Collection method: clinical testing. Allele origin: germline.

Athena Diagnostics
Classification: Benign. Last evaluated: 2016-10-13. Review status: criteria provided, single submitter. Criteria: Athena Diagnostics Criteria. Collection method: clinical testing. Allele origin: germline.

PreventionGenetics, part of Exact Sciences
Classification: Likely benign for GRN-related condition. Last evaluated: 2019-06-28. Review status: no assertion criteria provided. Collection method: clinical testing. Allele origin: germline. Not counted in ClinVar's aggregate classification.
Comment: This variant is classified as likely benign based on ACMG/AMP sequence variant interpretation guidelines (Richards et al. 2015 PMID: 25741868, with internal and published modifications).